The following is an entry in ClinVar:

NM_138387.4(G6PC3):c.459C>G (p.Phe153Leu)

Gene: G6PC3 (glucose-6-phosphatase catalytic subunit 3; plus strand). Cytogenetic location: 17q21.31.
Variant type: single nucleotide variant.
Coding change: c.459C>G on transcript NM_138387.4 (MANE Select); coding-DNA position 459, C replaced by G.
Protein change: p.Phe153Leu; replaces phenylalanine 153 with leucine.
Molecular consequence: missense variant. On other transcripts: intron variant (1).
Genome position (GRCh38, 1-based): chr17:44,075,011, C>G. VCF-style: chr17-44075011-C-G. GRCh37 (hg19) VCF-style: chr17-42152379-C-G.
Other names: c.114C>G, p.Phe38Leu (NM_001384165.1, NM_001384166.1, NM_001384167.1 and 1 more transcripts); c.416+241C>G (NM_001319945.2); short protein forms F153L, F38L.
Identifiers: ClinVar variation 2001610 (VCV002001610.3), dbSNP rs942220117, ClinGen allele CA290850618.

ClinVar aggregate classification (germline): Uncertain significance. Review status: criteria provided, multiple submitters, no conflicts (2 of 4 stars). 2 submissions from 2 submitters: Uncertain significance (2). Last evaluated 2025-11-03.

Conditions:
Inborn genetic diseases. Identifiers: MedGen C0950123, MeSH D030342.
Autosomal recessive severe congenital neutropenia due to G6PC3 deficiency. Also called: G6PC3 Deficiency; NEUTROPENIA, SEVERE CONGENITAL, 4, AUTOSOMAL RECESSIVE. Identifiers: Orphanet 331176, MedGen C2751630, MONDO:0012930, OMIM 612541.

Submissions (2):

Labcorp Genetics (formerly Invitae), Labcorp
Classification: Uncertain significance for Autosomal recessive severe congenital neutropenia due to G6PC3 deficiency. Last evaluated: 2025-11-03. Review status: criteria provided, single submitter. Criteria: Invitae Variant Classification Sherloc (09022015). Collection method: clinical testing. Allele origin: germline.
Comment: This sequence change replaces phenylalanine, which is neutral and non-polar, with leucine, which is neutral and non-polar, at codon 153 of the G6PC3 protein (p.Phe153Leu). This variant is not present in population databases (gnomAD no frequency). This variant has not been reported in the literature in individuals affected with G6PC3-related conditions. ClinVar contains an entry for this variant (Variation ID: 2001610). Invitae Evidence Modeling of protein sequence and biophysical properties (such as structural, functional, and spatial information, amino acid conservation, physicochemical variation, residue mobility, and thermodynamic stability) indicates that this missense variant is not expected to disrupt G6PC3 protein function with a negative predictive value of 95%. In summary, the available evidence is currently insufficient to determine the role of this variant in disease. Therefore, it has been classified as a Variant of Uncertain Significance.

Ambry Genetics
Classification: Uncertain significance for Inborn genetic diseases. Last evaluated: 2025-01-23. Review status: criteria provided, single submitter. Criteria: Ambry Variant Classification Scheme 2023. Collection method: clinical testing. Allele origin: germline.
Comment: The p.F153L variant (also known as c.459C>G), located in coding exon 4 of the G6PC3 gene, results from a C to G substitution at nucleotide position 459. The phenylalanine at codon 153 is replaced by leucine, an amino acid with highly similar properties. This amino acid position is conserved. In addition, this alteration is predicted to be tolerated by in silico analysis. Based on the available evidence, the clinical significance of this variant remains unclear.